The following is an entry in ClinVar:

ClinVar aggregate classification (germline): Uncertain significance (1 of 4 stars; one submission).

Conditions:
Long QT syndrome (LQTS). Identifiers: MedGen C0023976, MeSH D008133, MONDO:0002442. Disease mechanism: loss of function. Inheritance: Various modes of inheritance.

gnomAD v4.1: 2 of 1,611,688 alleles (0.00012%); highest among the groups gnomAD compares: Non-Finnish European, 0.00017%; no homozygotes.

Submission:

Labcorp Genetics (formerly Invitae), Labcorp
Classification: Uncertain significance for Long QT syndrome. Last evaluated: 2025-11-18. Review status: criteria provided, single submitter. Criteria: Invitae Variant Classification Sherloc (09022015). Collection method: clinical testing. Allele origin: germline.
Comment: This sequence change replaces serine, which is neutral and polar, with phenylalanine, which is neutral and non-polar, at codon 464 of the KCNQ1 protein (p.Ser464Phe). This variant is not present in population databases (gnomAD no frequency). This variant has not been reported in the literature in individuals affected with KCNQ1-related conditions. Invitae Evidence Modeling of protein sequence and biophysical properties (such as structural, functional, and spatial information, amino acid conservation, physicochemical variation, residue mobility, and thermodynamic stability) has been performed for this missense variant. However, the output from this modeling did not meet the statistical confidence thresholds required to predict the impact of this variant on KCNQ1 protein function. In summary, the available evidence is currently insufficient to determine the role of this variant in disease. Therefore, it has been classified as a Variant of Uncertain Significance.

NM_000218.3(KCNQ1):c.1391C>T (p.Ser464Phe)

Gene: KCNQ1 (potassium voltage-gated channel subfamily Q member 1; plus strand). Cytogenetic location: 11p15.5.
Variant type: single nucleotide variant.
Coding change: c.1391C>T on transcript NM_000218.3 (MANE Select); coding-DNA position 1391, C replaced by T.
Protein change: p.Ser464Phe; replaces serine 464 with phenylalanine.
Molecular consequence: missense variant.
Genome position (GRCh38, 1-based): chr11:2,588,852, C>T. VCF-style: chr11-2588852-C-T. GRCh37 (hg19) VCF-style: chr11-2610082-C-T.
Other names: c.1295C>T, p.Ser432Phe (NM_001406836.1); c.1121C>T, p.Ser374Phe (NM_001406837.1); c.851C>T, p.Ser284Phe (NM_001406838.1); c.1010C>T, p.Ser337Phe (NM_181798.2); short protein forms S432F, S464F, S284F, S337F, S374F.
Identifiers: ClinVar variation 4692729 (VCV004692729.1).